The following is an entry in ClinVar:

ClinVar aggregate classification (germline): Pathogenic (1 of 4 stars; one submission).

Conditions:
Intellectual disability, CASK-related, X-linked. Identifiers: MedGen CN043158.

Submission:

Labcorp Genetics (formerly Invitae), Labcorp
Classification: Pathogenic for Intellectual disability, CASK-related, X-linked. Last evaluated: 2022-12-02. Review status: criteria provided, single submitter. Criteria: Invitae Variant Classification Sherloc (09022015). Collection method: clinical testing. Allele origin: germline.
Comment: This sequence change creates a premature translational stop signal (p.Gln553Thrfs*6) in the CASK gene. It is expected to result in an absent or disrupted protein product. Loss-of-function variants in CASK are known to be pathogenic (PMID: 19165920, 20029458, 21954287, 22452838, 22709267). This variant is not present in population databases (gnomAD no frequency). This variant has not been reported in the literature in individuals affected with CASK-related conditions. ClinVar contains an entry for this variant (Variation ID: 1453222). For these reasons, this variant has been classified as Pathogenic.

Literature cited by the submitters: PubMed 19165920; PubMed 20029458; PubMed 21954287; PubMed 22452838; PubMed 22709267.

NM_001367721.1(CASK):c.1652_1655dup (p.Gln553fs)

Gene: CASK (calcium/calmodulin dependent serine protein kinase; minus strand). Cytogenetic location: Xp11.4.
Variant type: Duplication.
Coding change: c.1652_1655dup on transcript NM_001367721.1 (MANE Select); coding-DNA positions 1652 to 1655, 4 bases duplicated (AACT; older notation c.1652_1655dupAACT).
Protein change: p.Gln553fs; shifts the reading frame from glutamine 553.
Molecular consequence: frameshift variant.
Genome position (GRCh38, 1-based): chrX:41,561,572-41,561,575, AGTT duplicated on the plus strand (AACT on the coding strand, the reverse complement: CASK is on the minus strand). VCF-style (leftmost placement, unchanged base first): chrX-41561571-C-CAGTT. GRCh37 (hg19) VCF-style: chrX-41420824-C-CAGTT.
Other names: c.1652_1655dup, p.Gln553Thrfs (NM_001126054.3, NM_003688.4); c.1634_1637dup, p.Gln547Thrfs (NM_001126055.3, NM_001410745.1); short protein forms Q553fs, Q547fs.
Identifiers: ClinVar variation 1453222 (VCV001453222.6), dbSNP rs2147155759, ClinGen allele CA2573158860.